The following is an entry in ClinVar:

NM_032043.3(BRIP1):c.1420C>A (p.Leu474Ile)

Gene: BRIP1 (BRCA1 interacting DNA helicase 1; minus strand). Cytogenetic location: 17q23.2.
Variant type: single nucleotide variant.
Coding change: c.1420C>A on transcript NM_032043.3 (MANE Select); coding-DNA position 1420, C replaced by A.
Protein change: p.Leu474Ile; replaces leucine 474 with isoleucine.
Molecular consequence: missense variant.
Genome position (GRCh38, 1-based): chr17:61,793,650, G>T on the plus strand (C>A on the coding strand, the complement: BRIP1 is on the minus strand). VCF-style: chr17-61793650-G-T. GRCh37 (hg19) VCF-style: chr17-59871011-G-T.
Other names: short protein forms L474I.
Identifiers: ClinVar variation 1772250 (VCV001772250.2), dbSNP rs2545106765, ClinGen allele CA400482143.

ClinVar aggregate classification (germline): Uncertain significance (1 of 4 stars; one submission).

Conditions:
Hereditary cancer-predisposing syndrome. Also called: Hereditary Cancer Syndrome; Hereditary neoplastic syndrome; Neoplastic Syndromes, Hereditary; Tumor predisposition. Identifiers: Orphanet 140162, MedGen C0027672, MeSH D009386, MONDO:0015356.

Submission:

Ambry Genetics
Classification: Uncertain significance for Hereditary cancer-predisposing syndrome. Last evaluated: 2022-01-05. Review status: criteria provided, single submitter. Criteria: Ambry Variant Classification Scheme 2023. Collection method: clinical testing. Allele origin: germline.
Comment: The p.L474I variant (also known as c.1420C>A), located in coding exon 9 of the BRIP1 gene, results from a C to A substitution at nucleotide position 1420. The leucine at codon 474 is replaced by isoleucine, an amino acid with highly similar properties. This amino acid position is not well conserved in available vertebrate species. In addition, this alteration is predicted to be tolerated by in silico analysis. Since supporting evidence is limited at this time, the clinical significance of this alteration remains unclear.

Literature cited by the submitters: PubMed 25186627.